The following is an entry in ClinVar:

NM_000132.4(F8):c.2974_2977del (p.Phe992fs)

Gene: F8 (coagulation factor VIII; minus strand). Cytogenetic location: Xq28.
Variant type: Deletion.
Coding change: c.2974_2977del on transcript NM_000132.4 (MANE Select); coding-DNA positions 2974 to 2977, 4 bases deleted (TTTA; older notation c.2974_2977delTTTA).
Protein change: p.Phe992fs; shifts the reading frame from phenylalanine 992.
Molecular consequence: frameshift variant.
Genome position (GRCh38, 1-based): chrX:154,930,813-154,930,816, TAAA deleted on the plus strand (TTTA on the coding strand, the reverse complement: F8 is on the minus strand); deleting any 4 consecutive bases within chrX:154,930,813-154,930,819 gives the same sequence; the c. name uses the placement nearest the transcript's 3' end. VCF-style (leftmost placement, unchanged base first): chrX-154930812-TTAAA-T. GRCh37 (hg19) VCF-style: chrX-154159087-TTAAA-T.
Other names: short protein forms F992fs.
Identifiers: ClinVar variation 1333301 (VCV001333301.1), dbSNP rs2124052011, ClinGen allele CA2573055189.

ClinVar aggregate classification (germline): Likely pathogenic (1 of 4 stars; one submission).

Conditions:
Hereditary factor VIII deficiency disease (HEMA). Also called: HEMOPHILIA, CLASSIC; AUTOSOMAL HEMOPHILIA A; Hemophilia A; Hemophilia A, congenital; HEM A; Factor 8 deficiency, congenital. Identifiers: Orphanet 98878, MedGen C0019069, MONDO:0010602, OMIM 306700.

Submission:

3billion
Classification: Likely pathogenic for Hereditary factor VIII deficiency disease. Last evaluated: 2022-01-03. Review status: criteria provided, single submitter. Criteria: ACMG Guidelines, 2015. Collection method: clinical testing. Allele origin: germline. Affected: yes. Observed: 1 hemizygote.
Comment: Frameshift: predicted to result in a loss or disruption of normal protein function through nonsense-mediated decay (NMD) or protein truncation. Multiple pathogenic variants are reported downstream of the variant (PVS1_VS). It is not observed in the gnomAD v2.1.1 dataset (PM2_M). Therefore, this variant is classified as likely pathogenic according to the recommendation of ACMG/AMP guideline.